The following is an entry in ClinVar:

NM_001999.4(FBN2):c.1439G>A (p.Gly480Glu)

Gene: FBN2 (fibrillin 2; minus strand). Cytogenetic location: 5q23.3.
Variant type: single nucleotide variant.
Coding change: c.1439G>A on transcript NM_001999.4 (MANE Select); coding-DNA position 1439, G replaced by A.
Protein change: p.Gly480Glu; replaces glycine 480 with glutamic acid.
Molecular consequence: missense variant.
Genome position (GRCh38, 1-based): chr5:128,393,161, C>T on the plus strand (G>A on the coding strand, the complement: FBN2 is on the minus strand). VCF-style: chr5-128393161-C-T. GRCh37 (hg19) VCF-style: chr5-127728854-C-T.
Other names: c.1439G>A (NM_001999.3); short protein forms G480E.
Identifiers: ClinVar variation 2984813 (VCV002984813.4), dbSNP rs2126978810, ClinGen allele CA360748952.

ClinVar aggregate classification (germline): Uncertain significance. Review status: criteria provided, multiple submitters, no conflicts (2 of 4 stars). 2 submissions from 2 submitters: Uncertain significance (2). Last evaluated 2026-08-08.

Conditions:
Congenital contractural arachnodactyly (CCA). Also called: Arthrogryposis, distal, type 9; BEALS SYNDROME; Beals-Hecht syndrome. Identifiers: Orphanet 115, MedGen C0220668, MONDO:0007363, OMIM 121050.
Familial thoracic aortic aneurysm and aortic dissection (TAAD). Also called: Thoracic aortic aneurysms and dissections. Identifiers: Orphanet 91387, MedGen C4707243, MONDO:0019625.

Submissions (2):

Ambry Genetics
Classification: Uncertain significance for Familial thoracic aortic aneurysm and aortic dissection. Last evaluated: 2026-08-08. Review status: criteria provided, single submitter. Criteria: Ambry Variant Classification Scheme 2023. Collection method: clinical testing. Allele origin: germline.
Comment: The p.G480E variant (also known as c.1439G>A), located in coding exon 10 of the FBN2 gene, results from a G to A substitution at nucleotide position 1439. The glycine at codon 480 is replaced by glutamic acid, an amino acid with similar properties. This amino acid position is conserved. In addition, this alteration is predicted to be deleterious by in silico analysis. Based on the available evidence, the clinical significance of this variant remains unclear.

Labcorp Genetics (formerly Invitae), Labcorp
Classification: Uncertain significance for Congenital contractural arachnodactyly. Last evaluated: 2024-01-25. Review status: criteria provided, single submitter. Criteria: Invitae Variant Classification Sherloc (09022015). Collection method: clinical testing. Allele origin: germline.
Comment: This sequence change replaces glycine, which is neutral and non-polar, with glutamic acid, which is acidic and polar, at codon 480 of the FBN2 protein (p.Gly480Glu). This variant is not present in population databases (gnomAD no frequency). This variant has not been reported in the literature in individuals affected with FBN2-related conditions. Advanced modeling of protein sequence and biophysical properties (such as structural, functional, and spatial information, amino acid conservation, physicochemical variation, residue mobility, and thermodynamic stability) performed at Invitae indicates that this missense variant is not expected to disrupt FBN2 protein function with a negative predictive value of 95%. In summary, the available evidence is currently insufficient to determine the role of this variant in disease. Therefore, it has been classified as a Variant of Uncertain Significance.